The following is an entry in ClinVar:

ClinVar aggregate classification (germline): Benign. Review status: criteria provided, single submitter (1 of 4 stars). 2 submissions from 2 submitters: Benign (1). 1 of the submissions does not count toward it. Last evaluated 2025-06-23.

Conditions:
WARS2-related disorder. Also called: WARS2 related condition; WARS2-related disorders.

Allele frequency attached by ClinVar (database versions not stated): ESP Exome Variant Server 0.00015; gnomAD 0.00115 and 0.00116; ExAC 0.00119; 1000 Genomes Project 30x 0.00125; 1000 Genomes Project 0.00140.
gnomAD v4.1: 935 of 1,614,150 alleles (0.058%); highest among the groups gnomAD compares: East Asian, 0.25%; 8 homozygotes.

Submissions (2):

Labcorp Genetics (formerly Invitae), Labcorp
Classification: Benign. Last evaluated: 2025-06-23. Review status: criteria provided, single submitter. Criteria: Invitae Variant Classification Sherloc (09022015). Collection method: clinical testing. Allele origin: germline.

PreventionGenetics, part of Exact Sciences
Classification: Benign for WARS2-related condition. Last evaluated: 2019-10-18. Review status: no assertion criteria provided. Collection method: clinical testing. Allele origin: germline. Not counted in ClinVar's aggregate classification.
Comment: This variant is classified as benign based on ACMG/AMP sequence variant interpretation guidelines (Richards et al. 2015 PMID: 25741868, with internal and published modifications).

NM_015836.4(WARS2):c.199G>C (p.Asp67His)

Gene: WARS2 (tryptophanyl tRNA synthetase 2, mitochondrial; minus strand). Cytogenetic location: 1p12.
Variant type: single nucleotide variant.
Coding change: c.199G>C on transcript NM_015836.4 (MANE Select); coding-DNA position 199, G replaced by C.
Protein change: p.Asp67His; replaces aspartic acid 67 with histidine.
Molecular consequence: missense variant. On other transcripts: 5 prime UTR variant (1), intron variant (2).
Genome position (GRCh38, 1-based): chr1:119,076,499, C>G on the plus strand (G>C on the coding strand, the complement: WARS2 is on the minus strand). VCF-style: chr1-119076499-C-G. GRCh37 (hg19) VCF-style: chr1-119619122-C-G.
Other names: c.199G>C (NM_015836.3); c.130G>C, p.Asp44His (NM_001378226.1, NM_001378227.1); c.-84G>C (NM_001378230.1); c.199G>C, p.Asp67His (NM_001378231.1, NM_201263.2); c.91-30837G>C (NM_001378229.1); c.177+22G>C (NM_001378228.1); short protein forms D44H, D67H.
Identifiers: ClinVar variation 1648359 (VCV001648359.10), dbSNP rs149515458, ClinGen allele CA1035376.